The following is an entry in ClinVar:

NM_006231.4(POLE):c.3666C>A (p.His1222Gln)

Gene: POLE (DNA polymerase epsilon, catalytic subunit; minus strand). Cytogenetic location: 12q24.33.
Variant type: single nucleotide variant.
Coding change: c.3666C>A on transcript NM_006231.4 (MANE Select); coding-DNA position 3666, C replaced by A.
Protein change: p.His1222Gln; replaces histidine 1222 with glutamine.
Molecular consequence: missense variant.
Genome position (GRCh38, 1-based): chr12:132,649,806, G>T on the plus strand (C>A on the coding strand, the complement: POLE is on the minus strand). VCF-style: chr12-132649806-G-T. GRCh37 (hg19) VCF-style: chr12-133226392-G-T.
Other names: short protein forms H1222Q.
Identifiers: ClinVar variation 1399559 (VCV001399559.8), dbSNP rs2138614484, ClinGen allele CA387386694.

ClinVar aggregate classification (germline): Uncertain significance (1 of 4 stars; one submission).

Submission:

Labcorp Genetics (formerly Invitae), Labcorp
Classification: Uncertain significance. Last evaluated: 2024-02-12. Review status: criteria provided, single submitter. Criteria: Invitae Variant Classification Sherloc (09022015). Collection method: clinical testing. Allele origin: germline.
Comment: This sequence change replaces histidine, which is basic and polar, with glutamine, which is neutral and polar, at codon 1222 of the POLE protein (p.His1222Gln). This variant is not present in population databases (gnomAD no frequency). This variant has not been reported in the literature in individuals affected with POLE-related conditions. ClinVar contains an entry for this variant (Variation ID: 1399559). Advanced modeling of protein sequence and biophysical properties (such as structural, functional, and spatial information, amino acid conservation, physicochemical variation, residue mobility, and thermodynamic stability) performed at Invitae indicates that this missense variant is not expected to disrupt POLE protein function with a negative predictive value of 80%. In summary, the available evidence is currently insufficient to determine the role of this variant in disease. Therefore, it has been classified as a Variant of Uncertain Significance.